The following is an entry in ClinVar:

ClinVar aggregate classification (germline): Uncertain significance. Review status: criteria provided, multiple submitters, no conflicts (2 of 4 stars). 7 submissions from 7 submitters: Uncertain significance (5). 2 of the submissions do not count toward it. Last evaluated 2025-09-24.

Conditions:
Neuronopathy, distal hereditary motor, autosomal recessive 10 (HMNR10). Also called: NEUROPATHY, DISTAL HEREDITARY MOTOR, AUTOSOMAL RECESSIVE 10; VRK1-RELATED MOTOR NEURON DISEASE. Identifiers: MedGen C5882703, MONDO:0957876, OMIM 620542.
Congenital pontocerebellar hypoplasia type 1. Also called: Pontocerebellar hypoplasia type 1. Identifiers: Orphanet 2254, MedGen C5442006, MONDO:0016396.
Distal spinal muscular atrophy. Also called: Distal hereditary motor neuronopathy; Distal hereditary motor neuropathy. Identifiers: Orphanet 53739, MedGen C0393541, MONDO:0018894.
Pontocerebellar hypoplasia type 1A (PCH1A). Also called: PONTOCEREBELLAR HYPOPLASIA WITH ANTERIOR HORN CELL DISEASE; PONTOCEREBELLAR HYPOPLASIA WITH INFANTILE SPINAL MUSCULAR ATROPHY. Identifiers: Orphanet 2254, Orphanet 88616, MedGen C1843504, MONDO:0011866, OMIM 607596.
Inborn genetic diseases. Identifiers: MedGen C0950123, MeSH D030342.

Allele frequency attached by ClinVar (database versions not stated): gnomAD exomes 0.00004; ExAC 0.00006; TOPMed 0.00005; ESP Exome Variant Server 0.00015; gnomAD 0.00005 and 0.00006.
gnomAD v4.1: 63 of 1,613,926 alleles (0.0039%); highest among the groups gnomAD compares: Non-Finnish European, 0.0051%; no homozygotes.

Submissions (7):

3billion
Classification: Uncertain significance for Neuronopathy, distal hereditary motor, autosomal recessive 10. Last evaluated: 2025-09-24. Review status: criteria provided, single submitter. Criteria: ACMG Guidelines, 2015. Collection method: clinical testing. Allele origin: germline. Affected: yes.
Comment: The variant is observed at an extremely low frequency in the gnomAD v4.1.0 dataset (total allele frequency: 0.004%). Predicted Consequence/Location: Missense variant. The majority of the known disease-causing variants of this gene are variants expected to result in premature termination of the protein. In silico tools predict the variant to alter splicing and produce an abnormal transcript [SpliceAI: 0.20 (>=0.2, moderate evidence for spliceogenicity)]. The same nucleotide change resulting in the same amino acid change has been previously reported to be associated with VRK1-related disorder (ClinVar ID: VCV000664847 /PMID: 35641352). However, the evidence of pathogenicity is insufficient at this time. Therefore, this variant is classified as VUS according to the recommendation of ACMG/AMP guideline.

Dasa
Classification: Uncertain significance. Last evaluated: 2025-02-12. Review status: criteria provided, single submitter. Criteria: DASA Assertion Criteria. Collection method: clinical testing. Allele origin: germline.
Comment: NM_003384.3(VRK1):c.701A>G (p.Asn234Ser) is a missense variant that results in the substitution of asparagine with serine. This variant is rare in population databases. Computational prediction algorithms are consistent with a benign effect. The currently available literature and clinical evidence are not sufficient to establish a definitive association between this variant and the reported condition. Therefore, this variant is classified as a variant of uncertain significance.

Labcorp Genetics (formerly Invitae), Labcorp
Classification: Uncertain significance for Pontocerebellar hypoplasia type 1A. Last evaluated: 2025-01-23. Review status: criteria provided, single submitter. Criteria: Invitae Variant Classification Sherloc (09022015). Collection method: clinical testing. Allele origin: germline.
Comment: This sequence change replaces asparagine, which is neutral and polar, with serine, which is neutral and polar, at codon 234 of the VRK1 protein (p.Asn234Ser). This variant is present in population databases (rs369310409, gnomAD 0.009%). This variant has not been reported in the literature in individuals affected with VRK1-related conditions. ClinVar contains an entry for this variant (Variation ID: 664847). An algorithm developed to predict the effect of missense changes on protein structure and function (PolyPhen-2) suggests that this variant¬†is likely to be tolerated. In summary, the available evidence is currently insufficient to determine the role of this variant in disease. Therefore, it has been classified as a Variant of Uncertain Significance.

Revvity Omics, Revvity
Classification: Uncertain significance. Last evaluated: 2021-08-31. Review status: criteria provided, single submitter. Criteria: ACMG Guidelines, 2015. Collection method: clinical testing. Allele origin: germline.

Ambry Genetics
Classification: Uncertain significance for Inborn genetic diseases. Last evaluated: 2020-10-12. Review status: criteria provided, single submitter. Criteria: Ambry Variant Classification Scheme 2023. Collection method: clinical testing. Allele origin: germline.
Comment: The p.N234S variant (also known as c.701A>G), located in coding exon 7 of the VRK1 gene, results from an A to G substitution at nucleotide position 701. The asparagine at codon 234 is replaced by serine, an amino acid with highly similar properties. This amino acid position is not well conserved in available vertebrate species. In addition, this alteration is predicted to be tolerated by in silico analysis. Since supporting evidence is limited at this time, the clinical significance of this alteration remains unclear.

Natera, Inc.
Classification: Uncertain significance for Pontocerebellar hypoplasia type 1. Last evaluated: 2020-04-18. Review status: no assertion criteria provided. Collection method: clinical testing. Allele origin: germline. Not counted in ClinVar's aggregate classification.

Genome Diagnostics Laboratory, University Medical Center Utrecht
Classification: Likely pathogenic for Distal spinal muscular atrophy. Last evaluated: 2019-10-01. Review status: no assertion criteria provided. Collection method: clinical testing. Allele origin: unknown. Observed: 1 variant allele. Not counted in ClinVar's aggregate classification.

Literature cited by the submitters: PubMed 35641352 (cited by 3billion).

NM_003384.3(VRK1):c.701A>G (p.Asn234Ser)

Gene: VRK1 (VRK serine/threonine kinase 1; plus strand). Cytogenetic location: 14q32.2.
Variant type: single nucleotide variant.
Coding change: c.701A>G on transcript NM_003384.3 (MANE Select); coding-DNA position 701, A replaced by G.
Protein change: p.Asn234Ser; replaces asparagine 234 with serine.
Molecular consequence: missense variant.
Genome position (GRCh38, 1-based): chr14:96,855,348, A>G. VCF-style: chr14-96855348-A-G. GRCh37 (hg19) VCF-style: chr14-97321685-A-G.
Other names: short protein forms N234S.
Identifiers: ClinVar variation 664847 (VCV000664847.16), dbSNP rs369310409, ClinGen allele CA7339052.
Genomic context (GRCh38, chr14:96,855,348, plus strand): 5'-AAGAAGACCCCAAAAGATGTCACGATGGCACTATTGAATTCACGAGCATCGATGCACACA[A>G]TGGCGTGGGTATGTCAGTAGTACTGGAGTGAGAAATAGACTGCTAATGTTTTCACCCAGA-3'
Protein context (NP_003375.1, residues 224-244): TIEFTSIDAH[Asn234Ser]GVAPSRRGDL